The following is an entry in ClinVar:

NM_000218.3(KCNQ1):c.686G>A (p.Gly229Asp)

Gene: KCNQ1 (potassium voltage-gated channel subfamily Q member 1; plus strand). Cytogenetic location: 11p15.5.
Variant type: single nucleotide variant.
Coding change: c.686G>A on transcript NM_000218.3 (MANE Select); coding-DNA position 686, G replaced by A.
Protein change: p.Gly229Asp; replaces glycine 229 with aspartic acid.
Molecular consequence: missense variant.
Genome position (GRCh38, 1-based): chr11:2,572,015, G>A. VCF-style: chr11-2572015-G-A. GRCh37 (hg19) VCF-style: chr11-2593245-G-A.
Other names: p.G229D:GGC>GAC; c.686G>A (LRG_287t1); c.686G>A, p.Gly229Asp (NM_001406836.1); c.416G>A, p.Gly139Asp (NM_001406837.1); c.305G>A, p.Gly102Asp (NM_181798.2); short protein forms G229D, G102D, G139D.
Identifiers: ClinVar variation 53085 (VCV000053085.11), dbSNP rs199472708, ClinGen allele CA007911.

ClinVar aggregate classification (germline): Pathogenic/Likely pathogenic. Review status: criteria provided, multiple submitters, no conflicts (2 of 4 stars). 5 submissions from 5 submitters: Pathogenic (2); Likely pathogenic (1). 2 of the submissions do not count toward it. Last evaluated 2024-02-23.

Conditions:
KCNQ1-related disorder. Also called: KCNQ1-related condition; KCNQ1-related disorders. Identifiers: MedGen CN239322.
Familial long QT syndrome (RWS). Also called: Congenital long QT syndrome; Romano-Ward syndrome; VENTRICULAR FIBRILLATION WITH PROLONGED QT INTERVAL. Identifiers: Orphanet 768, MedGen C1141890, MONDO:0019171.
Long QT syndrome (LQTS). Identifiers: MedGen C0023976, MeSH D008133, MONDO:0002442. Disease mechanism: loss of function. Inheritance: Various modes of inheritance.
Atrial fibrillation, familial, 3 (ATFB3). Identifiers: MedGen C1837014, MONDO:0011857, OMIM 607554.

Allele frequency attached by ClinVar (database versions not stated): gnomAD exomes below 0.00001.
gnomAD v4.1: 2 of 1,612,058 alleles (0.00012%); highest among the groups gnomAD compares: Non-Finnish European, 0.00017%; no homozygotes.

Submissions (5):

Labcorp Genetics (formerly Invitae), Labcorp
Classification: Likely pathogenic for Long QT syndrome. Last evaluated: 2024-02-23. Review status: criteria provided, single submitter. Criteria: Invitae Variant Classification Sherloc (09022015). Collection method: clinical testing. Allele origin: germline.
Comment: This sequence change replaces glycine, which is neutral and non-polar, with aspartic acid, which is acidic and polar, at codon 229 of the KCNQ1 protein (p.Gly229Asp). This variant is not present in population databases (gnomAD no frequency). This missense change has been observed in individuals with atrial fibrillation, long QT syndrome, and/or unexplained sudden cardiac death (PMID: 19165230, 24096004, 30967788, 34076677; Invitae). ClinVar contains an entry for this variant (Variation ID: 53085). An algorithm developed to predict the effect of missense changes on protein structure and function (PolyPhen-2) suggests that this variant is likely to be disruptive. Experimental studies have shown that this missense change affects KCNQ1 function (PMID: 24096004, 30967788, 33600800). In summary, the currently available evidence indicates that the variant is pathogenic, but additional data are needed to prove that conclusively. Therefore, this variant has been classified as Likely Pathogenic.

GeneDx
Classification: Pathogenic. Last evaluated: 2012-12-12. Review status: criteria provided, single submitter. Criteria: GeneDx Variant Classification (06012015). Collection method: clinical testing. Allele origin: germline. Affected: yes.
Comment: p.Gly229Asp (GGC>GAC): c.686 G>A in exon 5 of the KCNQ1 gene (NM_000218.2). The Gly229Asp variant in the KCNQ1 gene has been reported in one individual with arrythmia and it was absent from 190 Caucasian control individuals (Ueda K et al., 2009). Additionally, the NHLBI ESP Exome Variant Server reports Gly229Asp was not observed in approximately 6,500 samples from individuals of European and African American backgrounds, indicating it is not a common benign variant in these populations. Mutations in nearby residues (Ser225Leu, Ala226Val, Arg231Cys, Arg231His) have been reported in association with LQTS, further supporting the functional importance of this region of the protein. In summary, Gly229Asp in the KCNQ1 gene is interpreted as a disease-causing mutation. The variant is found in LQT panel(s).

Rady Children's Institute for Genomic Medicine, Rady Children's Hospital San Diego
Classification: Pathogenic for KCNQ1-related disorders. Review status: criteria provided, single submitter. Criteria: ACMG Guidelines, 2015. Collection method: clinical testing. Allele origin: germline. Affected: yes.
Comment: This variant has been previously reported in multiple unrelated individuals with features of KCNQ1-related disorders including early-onset atrial fibrillation, borderline QT prolongation, and sudden cardiac death (PMID: 24096004, 30967788, 34076677). Functional analyses including patch-clamp studies support a gain-of-function, arrhythmogenic effect for the c.686G>A (p.Gly229Asp) variant (PMID: 24096004, 30967788). This variant is absent from the gnomAD population database and thus is presumed to be rare. It affects a highly conserved amino acid and is predicted by multiple in silico tools to have a deleterious effect on protein function. Based on the available evidence, c.686G>A (p.Gly229Asp) is classified as Pathogenic.

OMIM
Classification: Pathogenic for ATRIAL FIBRILLATION, FAMILIAL, 3. Last evaluated: 2014-01-01. Review status: no assertion criteria provided. Collection method: literature only. Allele origin: germline. Not counted in ClinVar's aggregate classification.

Cardiovascular Biomedical Research Unit, Royal Brompton & Harefield NHS Foundation Trust
No classification provided. Condition: Familial long QT syndrome. Review status: no classification provided. Collection method: literature only. Allele origin: germline. Not counted in ClinVar's aggregate classification.
Comment: This variant has been reported as associated with Long QT syndrome in the following publications (PMID:19165230). This is a literature report, and does not necessarily reflect the clinical interpretation of the Imperial College / Royal Brompton Cardiovascular Genetics laboratory.

Literature cited by the submitters: PubMed 19165230 (cited by Labcorp Genetics (formerly Invitae), Labcorp and Cardiovascular Biomedical Research Unit, Royal Brompton & Harefield NHS Foundation Trust); PubMed 24096004 (cited by Labcorp Genetics (formerly Invitae), Labcorp and OMIM); PubMed 30967788 (cited by Labcorp Genetics (formerly Invitae), Labcorp); PubMed 34076677 (cited by Labcorp Genetics (formerly Invitae), Labcorp); PubMed 33600800 (cited by Labcorp Genetics (formerly Invitae), Labcorp); PubMed 22581653 (cited by Cardiovascular Biomedical Research Unit, Royal Brompton & Harefield NHS Foundation Trust).